The following is an entry in ClinVar:

ClinVar aggregate classification (germline): Uncertain significance (1 of 4 stars; one submission).

Conditions:
Aortic aneurysm, familial thoracic 7 (AAT7). Also called: AORTIC DISSECTION, FAMILIAL, WITH OR WITHOUT AORTIC ANEURYSM. Identifiers: MedGen C3151077, MONDO:0013418, OMIM 613780.

Allele frequency attached by ClinVar (database versions not stated): ExAC below 0.00001; gnomAD exomes below 0.00001; TOPMed 0.00001.
gnomAD v4.1: 19 of 1,612,054 alleles (0.0012%); highest among the groups gnomAD compares: South Asian, 0.011%; no homozygotes.

Submission:

Labcorp Genetics (formerly Invitae), Labcorp
Classification: Uncertain significance for Aortic aneurysm, familial thoracic 7. Last evaluated: 2023-10-14. Review status: criteria provided, single submitter. Criteria: Invitae Variant Classification Sherloc (09022015). Collection method: clinical testing. Allele origin: germline.
Comment: This sequence change replaces arginine, which is basic and polar, with glutamine, which is neutral and polar, at codon 187 of the MYLK protein (p.Arg187Gln). The frequency data for this variant in the population databases is considered unreliable, as metrics indicate poor data quality at this position in the gnomAD database. This variant has not been reported in the literature in individuals affected with MYLK-related conditions. ClinVar contains an entry for this variant (Variation ID: 539069). Advanced modeling of protein sequence and biophysical properties (such as structural, functional, and spatial information, amino acid conservation, physicochemical variation, residue mobility, and thermodynamic stability) performed at Invitae indicates that this missense variant is not expected to disrupt MYLK protein function. In summary, the available evidence is currently insufficient to determine the role of this variant in disease. Therefore, it has been classified as a Variant of Uncertain Significance.

NM_053025.4(MYLK):c.560G>A (p.Arg187Gln)

Gene: MYLK (myosin light chain kinase; minus strand). Cytogenetic location: 3q21.1.
Variant type: single nucleotide variant.
Coding change: c.560G>A on transcript NM_053025.4 (MANE Select); coding-DNA position 560, G replaced by A.
Protein change: p.Arg187Gln; replaces arginine 187 with glutamine.
Molecular consequence: missense variant.
Genome position (GRCh38, 1-based): chr3:123,738,925, C>T on the plus strand (G>A on the coding strand, the complement: MYLK is on the minus strand). VCF-style: chr3-123738925-C-T. GRCh37 (hg19) VCF-style: chr3-123457772-C-T.
Other names: c.32G>A, p.Arg11Gln (NM_001321309.2); c.560G>A, p.Arg187Gln (NM_053026.4, NM_053027.4, NM_053028.4); short protein forms R187Q, R11Q.
Identifiers: ClinVar variation 539069 (VCV000539069.7), dbSNP rs762477499, ClinGen allele CA073242.
Genomic context (GRCh38, chr3:123,738,925, plus strand): 5'-TGGATCAGGGTCAGGGCAGACAGAAACCTCACCTTGAGCCAGGTGACCTGCGGTTGGGGC[C>T]GGCCAGTGATCTTGCAGGAGAATCGTCCCATCTGTCCTTCTTTGACCACAACTCGGCCCA-3'
Protein context (NP_444253.3, residues 177-197): MGRFSCKITG[Arg187Gln]PQPQVTWLKG